The following is an entry in ClinVar:

NM_001270974.2(HYDIN):c.11495G>A (p.Arg3832His)

Gene: HYDIN (HYDIN axonemal central pair apparatus protein; minus strand). Cytogenetic location: 16q22.2.
Variant type: single nucleotide variant.
Coding change: c.11495G>A on transcript NM_001270974.2 (MANE Select); coding-DNA position 11495, G replaced by A.
Protein change: p.Arg3832His; replaces arginine 3832 with histidine.
Molecular consequence: missense variant.
Genome position (GRCh38, 1-based): chr16:70,863,159, C>T on the plus strand (G>A on the coding strand, the complement: HYDIN is on the minus strand). VCF-style: chr16-70863159-C-T. GRCh37 (hg19) VCF-style: chr16-70897062-C-T.
Other names: short protein forms R3832H.
Identifiers: ClinVar variation 4820849 (VCV004820849.4).

ClinVar aggregate classification (germline): Uncertain significance (1 of 4 stars; one submission).

gnomAD v4.1: 44 of 1,613,678 alleles (0.0027%); highest among the groups gnomAD compares: South Asian, 0.03%; no homozygotes.

Submission:

CeGaT Center for Human Genetics Tuebingen
Classification: Uncertain significance. Last evaluated: 2026-01-01. Review status: criteria provided, single submitter. Criteria: CeGaT Center For Human Genetics Tuebingen Variant Classification Criteria Version 2. Collection method: clinical testing. Allele origin: germline. Affected: yes. Observed: 1 variant allele.
Comment: HYDIN: PM2, BP4